The following is an entry in ClinVar:

ClinVar aggregate classification (germline): Uncertain significance (1 of 4 stars; one submission).

Conditions:
Long QT syndrome (LQTS). Identifiers: MedGen C0023976, MeSH D008133, MONDO:0002442. Disease mechanism: loss of function. Inheritance: Various modes of inheritance.

Submission:

Labcorp Genetics (formerly Invitae), Labcorp
Classification: Uncertain significance for Long QT syndrome. Last evaluated: 2019-11-26. Review status: criteria provided, single submitter. Criteria: Invitae Variant Classification Sherloc (09022015). Collection method: clinical testing. Allele origin: germline.
Comment: This sequence change replaces lysine with arginine at codon 332 of the KCNH2 protein (p.Lys332Arg). The lysine residue is weakly conserved and there is a small physicochemical difference between lysine and arginine. In summary, the available evidence is currently insufficient to determine the role of this variant in disease. Therefore, it has been classified as a Variant of Uncertain Significance. Algorithms developed to predict the effect of sequence changes on RNA splicing suggest that this variant may create or strengthen a splice site, but this prediction has not been confirmed by published transcriptional studies. Algorithms developed to predict the effect of missense changes on protein structure and function (SIFT, PolyPhen-2, Align-GVGD) all suggest that this variant is likely to be tolerated, but these predictions have not been confirmed by published functional studies and their clinical significance is uncertain. This variant has not been reported in the literature in individuals with KCNH2-related conditions. This variant is not present in population databases (ExAC no frequency).

NM_000238.4(KCNH2):c.995A>G (p.Lys332Arg)

Gene: KCNH2 (potassium voltage-gated channel subfamily H member 2; minus strand). Cytogenetic location: 7q36.1.
Variant type: single nucleotide variant.
Coding change: c.995A>G on transcript NM_000238.4 (MANE Select); coding-DNA position 995, A replaced by G.
Protein change: p.Lys332Arg; replaces lysine 332 with arginine.
Molecular consequence: missense variant.
Genome position (GRCh38, 1-based): chr7:150,957,424, T>C on the plus strand (A>G on the coding strand, the complement: KCNH2 is on the minus strand). VCF-style: chr7-150957424-T-C. GRCh37 (hg19) VCF-style: chr7-150654512-T-C.
Other names: c.707A>G, p.Lys236Arg (NM_001406753.1, NM_001406756.1); c.818A>G, p.Lys273Arg (NM_001406755.1); c.695A>G, p.Lys232Arg (NM_001406757.1); c.995A>G, p.Lys332Arg (NM_172056.3); short protein forms K332R, K232R, K273R, K236R.
Identifiers: ClinVar variation 847270 (VCV000847270.10), dbSNP rs1801410888, ClinGen allele CA369861691.